The following is an entry in ClinVar:

ClinVar aggregate classification (germline): Uncertain significance. Review status: criteria provided, multiple submitters, no conflicts (2 of 4 stars). 2 submissions from 2 submitters: Uncertain significance (2). Last evaluated 2025-04-03.

Conditions:
Inborn genetic diseases. Identifiers: MedGen C0950123, MeSH D030342.

Allele frequency attached by ClinVar (database versions not stated): TOPMed 0.00002; gnomAD exomes 0.00006; ExAC 0.00002.
gnomAD v4.1: 21 of 1,614,008 alleles (0.0013%); highest among the groups gnomAD compares: Admixed American, 0.035%; no homozygotes.

Submissions (2):

Ambry Genetics
Classification: Uncertain significance for Inborn genetic diseases. Last evaluated: 2025-04-03. Review status: criteria provided, single submitter. Criteria: Ambry Variant Classification Scheme 2023. Collection method: clinical testing. Allele origin: germline.

Labcorp Genetics (formerly Invitae), Labcorp
Classification: Uncertain significance. Last evaluated: 2022-08-20. Review status: criteria provided, single submitter. Criteria: Invitae Variant Classification Sherloc (09022015). Collection method: clinical testing. Allele origin: germline.
Comment: This sequence change replaces histidine, which is basic and polar, with aspartic acid, which is acidic and polar, at codon 369 of the RXYLT1 protein (p.His369Asp). This variant is present in population databases (rs780072889, gnomAD 0.05%). This variant has not been reported in the literature in individuals affected with RXYLT1-related conditions. ClinVar contains an entry for this variant (Variation ID: 1380924). Algorithms developed to predict the effect of missense changes on protein structure and function (SIFT, PolyPhen-2, Align-GVGD) all suggest that this variant is likely to be tolerated. In summary, the available evidence is currently insufficient to determine the role of this variant in disease. Therefore, it has been classified as a Variant of Uncertain Significance.

NM_014254.3(RXYLT1):c.1105C>G (p.His369Asp)

Genes: RXYLT1 (ribitol xylosyltransferase 1; plus strand), RXYLT1-AS1 (RXYLT1 antisense RNA 1; minus strand). Cytogenetic location: 12q14.2.
Variant type: single nucleotide variant.
Coding change: c.1105C>G on transcript NM_014254.3 (MANE Select); coding-DNA position 1105, C replaced by G.
Protein change: p.His369Asp; replaces histidine 369 with aspartic acid.
Molecular consequence: missense variant. On other transcripts: non-coding transcript variant (1).
Genome position (GRCh38, 1-based): chr12:63,808,865, C>G. VCF-style: chr12-63808865-C-G. GRCh37 (hg19) VCF-style: chr12-64202645-C-G.
Other names: c.325C>G, p.His109Asp (NM_001278237.2); c.1105C>G (NM_014254.1); short protein forms H109D, H369D.
Identifiers: ClinVar variation 1380924 (VCV001380924.7), dbSNP rs780072889, ClinGen allele CA6666244.
Genomic context (GRCh38, chr12:63,808,865, plus strand): 5'-TCCATTCCTGTGGTGGAAGACGTGATGACAGCTGGCAACTGTGGGAATACATCTGTGCAC[C>G]ACGGTGCTCCTCTGCAGTTACTCAAGTCCATGGGTGCTCCCTTTATCTTTATCAAGAACT-3'
Protein context (NP_055069.1, residues 359-379): AGNCGNTSVH[His369Asp]GAPLQLLKSM